The following is an entry in ClinVar:

ClinVar aggregate classification (germline): Uncertain significance (1 of 4 stars; one submission).

Submission:

GeneDx
Classification: Uncertain significance. Last evaluated: 2026-03-25. Review status: criteria provided, single submitter. Criteria: GeneDx Variant Classification Process June 2021. Collection method: clinical testing. Allele origin: germline.
Comment: Not observed at significant frequency in large population cohorts (gnomAD); In silico analysis supports that this missense variant has a deleterious effect on protein structure/function; Has not been previously published as pathogenic or benign to our knowledge

NM_001393769.1(MED12L):c.1651G>A (p.Asp551Asn)

Gene: MED12L (mediator complex subunit 12L; plus strand). Cytogenetic location: 3q25.1.
Variant type: single nucleotide variant.
Coding change: c.1651G>A on transcript NM_001393769.1 (MANE Select); coding-DNA position 1651, G replaced by A.
Protein change: p.Asp551Asn; replaces aspartic acid 551 with asparagine.
Molecular consequence: missense variant.
Genome position (GRCh38, 1-based): chr3:151,188,378, G>A. VCF-style: chr3-151188378-G-A. GRCh37 (hg19) VCF-style: chr3-150906165-G-A.
Other names: c.1651G>A, p.Asp551Asn (NM_053002.6); short protein forms D551N.
Identifiers: ClinVar variation 5017571 (VCV005017571.1).